The following is an entry in ClinVar:

ClinVar aggregate classification (germline): Likely benign. Review status: criteria provided, multiple submitters, no conflicts (2 of 4 stars). 3 submissions from 3 submitters: Likely benign (3). Last evaluated 2024-11-11.

Allele frequency attached by ClinVar (database versions not stated): ExAC 0.00002; gnomAD exomes 0.00002; gnomAD 0.00005; TOPMed 0.00005.
gnomAD v4.1: 38 of 1,613,920 alleles (0.0024%); highest among the groups gnomAD compares: South Asian, 0.015%; 1 homozygote.

Submissions (3):

Labcorp Genetics (formerly Invitae), Labcorp
Classification: Likely benign. Last evaluated: 2024-11-11. Review status: criteria provided, single submitter. Criteria: Invitae Variant Classification Sherloc (09022015). Collection method: clinical testing. Allele origin: germline.

CeGaT Center for Human Genetics Tuebingen
Classification: Likely benign. Last evaluated: 2024-05-01. Review status: criteria provided, single submitter. Criteria: CeGaT Center For Human Genetics Tuebingen Variant Classification Criteria Version 2. Collection method: clinical testing. Allele origin: germline. Affected: yes. Observed: 1 variant allele.
Comment: KMT2A: BP4, BP7

Blueprint Genetics
Classification: Likely benign. Last evaluated: 2023-08-01. Review status: criteria provided, single submitter. Criteria: ACMG Guidelines, 2015. Collection method: clinical testing. Allele origin: germline.

NM_001197104.2(KMT2A):c.6252G>A (p.Pro2084=)

Gene: KMT2A (lysine methyltransferase 2A; plus strand). Cytogenetic location: 11q23.3.
Variant type: single nucleotide variant.
Coding change: c.6252G>A on transcript NM_001197104.2 (MANE Select); coding-DNA position 6252, G replaced by A.
Protein change: p.Pro2084=; no amino-acid change (proline 2084 retained).
Molecular consequence: synonymous variant.
Genome position (GRCh38, 1-based): chr11:118,501,080, G>A. VCF-style: chr11-118501080-G-A. GRCh37 (hg19) VCF-style: chr11-118371795-G-A.
Other names: c.6243G>A, p.Pro2081= (NM_005933.4).
Identifiers: ClinVar variation 1511866 (VCV001511866.28), dbSNP rs782092743, ClinGen allele CA6304215.